The following is an entry in ClinVar:

ClinVar aggregate classification (germline): Uncertain significance (1 of 4 stars; one submission).

Conditions:
Wiedemann-Steiner syndrome (WDSTS). Also called: Growth deficiency and mental retardation with facial dysmorphism. Identifiers: Orphanet 319182, MedGen C1854630, MONDO:0011518, OMIM 605130.

gnomAD v4.1: 1 of 1,166,580 alleles (0.000086%); highest among the groups gnomAD compares: Non-Finnish European, 0.00011%; no homozygotes.

Submission:

Baylor Genetics
Classification: Uncertain significance for Wiedemann-Steiner syndrome. Last evaluated: 2019-02-08. Review status: criteria provided, single submitter. Criteria: ACMG Guidelines, 2015. Collection method: clinical testing. Allele origin: maternal. Affected: yes.
Comment: This variant was determined to be of uncertain significance according to ACMG Guidelines, 2015 [PMID:25741868].

NM_001197104.2(KMT2A):c.133C>T (p.Pro45Ser)

Gene: KMT2A (lysine methyltransferase 2A; plus strand). Cytogenetic location: 11q23.3.
Variant type: single nucleotide variant.
Coding change: c.133C>T on transcript NM_001197104.2 (MANE Select); coding-DNA position 133, C replaced by T.
Protein change: p.Pro45Ser; replaces proline 45 with serine.
Molecular consequence: missense variant.
Genome position (GRCh38, 1-based): chr11:118,436,645, C>T. VCF-style: chr11-118436645-C-T. GRCh37 (hg19) VCF-style: chr11-118307360-C-T.
Other names: c.133C>T, p.Pro45Ser (NM_005933.4); short protein forms P45S.
Identifiers: ClinVar variation 1027819 (VCV001027819.1), dbSNP rs1949186581, ClinGen allele CA382797320.